The following is an entry in ClinVar:

ClinVar aggregate classification (germline): Uncertain significance (1 of 4 stars; one submission).

Conditions:
Dyskeratosis congenita, autosomal dominant 2. Identifiers: MedGen C3151443, MONDO:0013521, OMIM 613989.
Idiopathic Pulmonary Fibrosis. Also called: Idiopathic fibrosing alveolitis, chronic form; idiopathic fibrosing alveolitis. Identifiers: Orphanet 2032, MedGen C1800706, MeSH D054990, MONDO:0800504.

Submission:

Labcorp Genetics (formerly Invitae), Labcorp
Classification: Uncertain significance for Dyskeratosis congenita, autosomal dominant 2; Idiopathic Pulmonary Fibrosis. Last evaluated: 2022-12-15. Review status: criteria provided, single submitter. Criteria: Invitae Variant Classification Sherloc (09022015). Collection method: clinical testing. Allele origin: germline.
Comment: In summary, the available evidence is currently insufficient to determine the role of this variant in disease. Therefore, it has been classified as a Variant of Uncertain Significance. Advanced modeling of protein sequence and biophysical properties (such as structural, functional, and spatial information, amino acid conservation, physicochemical variation, residue mobility, and thermodynamic stability) performed at Invitae indicates that this missense variant is not expected to disrupt TERT protein function. This variant has not been reported in the literature in individuals affected with TERT-related conditions. This variant is not present in population databases (gnomAD no frequency). This sequence change replaces tryptophan, which is neutral and slightly polar, with arginine, which is basic and polar, at codon 317 of the TERT protein (p.Trp317Arg).

NM_198253.3(TERT):c.949T>A (p.Trp317Arg)

Gene: TERT (telomerase reverse transcriptase; minus strand). Cytogenetic location: 5p15.33.
Variant type: single nucleotide variant.
Coding change: c.949T>A on transcript NM_198253.3 (MANE Select); coding-DNA position 949, T replaced by A.
Protein change: p.Trp317Arg; replaces tryptophan 317 with arginine.
Molecular consequence: missense variant. On other transcripts: non-coding transcript variant (2).
Genome position (GRCh38, 1-based): chr5:1,293,937, A>T on the plus strand (T>A on the coding strand, the complement: TERT is on the minus strand). VCF-style: chr5-1293937-A-T. GRCh37 (hg19) VCF-style: chr5-1294052-A-T.
Other names: c.949T>A, p.Trp317Arg (NM_001193376.3, NM_003219.1); short protein forms W317R.
Identifiers: ClinVar variation 2932842 (VCV002932842.3), dbSNP rs2478417192, ClinGen allele CA359056099.